The following continues an entry in ClinVar:

NM_007294.4(BRCA1):c.2071del (p.Arg691fs)

Gene: BRCA1. ClinVar aggregate classification (germline): Pathogenic. Pathogenic (1).

Submissions 22 to 31 of 31:

Women's Health and Genetics/Laboratory Corporation of America, LabCorp
Classification: Pathogenic for Hereditary breast ovarian cancer syndrome. Last evaluated: 2017-05-11. Review status: criteria provided, single submitter. Criteria: LabCorp Variant Classification Summary - May 2015. Collection method: clinical testing. Allele origin: germline. Not counted in ClinVar's aggregate classification.
Comment: Variant summary: The BRCA1 c.2071delA (p.Arg691Aspfs) variant results in a premature termination codon, predicted to cause a truncated or absent BRCA1 protein due to nonsense mediated decay, which are commonly known mechanisms for disease. Truncations downstream of this position have been classified as pathogenic by our laboratory (e.g. c.2138C>G, p.Ser713X; c.2157dupA, p.Glu720fs). One in silico tool predicts a damaging outcome for this variant. The variant of interest is absent in a large, broad control population, ExAC in 121338 control chromosomes. This variant was reported in multiple patients with HBOC (Judkins_2005, Trujillano_2014, Peto_1999, Frank_1998, Risch_2001, Zhang_2011). In addition, multiple clinical diagnostic laboratories/reputable databases classified this variant as pathogenic. Taken together, this variant is classified as pathogenic.

Department of Pathology and Molecular Medicine, Queen's University
Classification: Pathogenic for Hereditary breast ovarian cancer syndrome. Last evaluated: 2017-04-20. Review status: criteria provided, single submitter. Criteria: ACMG Guidelines, 2015. Collection method: clinical testing. Allele origin: germline. Study: The Canadian Open Genetics Repository (COGR). Not counted in ClinVar's aggregate classification.

Consortium of Investigators of Modifiers of BRCA1/2 (CIMBA), c/o University of Cambridge
Classification: Pathogenic for Breast-ovarian cancer, familial, susceptibility to, 1. Last evaluated: 2015-10-02. Review status: criteria provided, single submitter. Criteria: CIMBA Mutation Classification guidelines May 2016. Collection method: clinical testing. Allele origin: germline. Not counted in ClinVar's aggregate classification.

Mayo Clinic Laboratories, Mayo Clinic
Classification: Pathogenic. Last evaluated: 2017-05-16. Review status: no assertion criteria provided. Collection method: clinical testing. Allele origin: unknown. Not counted in ClinVar's aggregate classification.

Counsyl
Classification: Pathogenic for Breast-ovarian cancer, familial, susceptibility to, 1. Last evaluated: 2015-11-18. Review status: no assertion criteria provided. Collection method: clinical testing. Allele origin: unknown. Not counted in ClinVar's aggregate classification.

Research Molecular Genetics Laboratory, Women's College Hospital, University of Toronto
Classification: Pathogenic for Hereditary breast ovarian cancer syndrome. Last evaluated: 2014-01-31. Review status: no assertion criteria provided. Collection method: research. Allele origin: germline. Affected: yes. Study: The Canadian Open Genetics Repository (COGR). Not counted in ClinVar's aggregate classification.

Sharing Clinical Reports Project (SCRP)
Classification: Pathogenic for Breast-ovarian cancer, familial 1. Last evaluated: 2012-05-01. Review status: no assertion criteria provided. Collection method: clinical testing. Allele origin: germline. Not counted in ClinVar's aggregate classification.

Foulkes Cancer Genetics LDI, Lady Davis Institute for Medical Research
Classification: Pathogenic for Breast and/or ovarian cancer. Last evaluated: 2009-12-01. Review status: no assertion criteria provided. Collection method: clinical testing. Allele origin: germline. Study: The Canadian Open Genetics Repository (COGR). Not counted in ClinVar's aggregate classification.

Breast Cancer Information Core (BIC) (BRCA1)
Classification: Pathogenic for Breast-ovarian cancer, familial 1. Last evaluated: 2002-05-29. Review status: no assertion criteria provided. Collection method: clinical testing. Allele origin: germline. Affected: yes. Observed: 25 variant alleles. Not counted in ClinVar's aggregate classification.

Department of Pathology and Laboratory Medicine, Sinai Health System
Classification: Pathogenic. Review status: no assertion criteria provided. Collection method: clinical testing. Allele origin: unknown. Affected: yes. Study: The Canadian Open Genetics Repository (COGR). Not counted in ClinVar's aggregate classification.
Comment: The BRCA1 p.Arg691AspfsX10 deletion variant was identified in 7 of 9116 proband chromosomes (frequency: 0.001) from individuals or families with breast, ovarian, or prostate cancer (Castro 2013, Gayther 1999, Jongsma 2002, Risch 2001, Kurian 2008, Zhang 2011). The variant was also identified in dbSNP (ID: rs80357688) â€šÃ„ÃºWith pathogenic alleleâ€šÃ„Ã¹, HGMD, UMD (1X as a causal variant), and the BIC database (24X with clinical importance). The p.Arg691AspfsX10 deletion variant is predicted to cause a frameshift, which alters the protein's amino acid sequence beginning at codon 691 and leads to a premature stop codon 10 codons downstream. This alteration is then predicted to result in a truncated or absent protein and loss of function. Loss of function variants of the BRCA1 gene are an established mechanism of disease in hereditary breast and ovarian cancer and is the type of variant expected to cause the disorder. In summary, based on the above information, this variant meets our laboratoryâ€šÃ„Ã´s criteria to be classified as pathogenic.

Literature cited by the submitters: PubMed 20104584 (cited by Labcorp Genetics (formerly Invitae), Labcorp); PubMed 9482581 (cited by 6 submitters); PubMed 9667259 (cited by 7 submitters); PubMed 10486320 (cited by 3 submitters); PubMed 21324516 (cited by 8 submitters); PubMed 24504028 (cited by 7 submitters); PubMed 10359546 (cited by 3 submitters); PubMed 11179017 (cited by 4 submitters); PubMed 12354934 (cited by 3 submitters); PubMed 17369502 (cited by 3 submitters); PubMed 23458327 (cited by 3 submitters); PubMed 23569316 (cited by Color Diagnostics, LLC DBA Color Health and All of Us Research Program, National Institutes of Health); PubMed 24240112 (cited by Color Diagnostics, LLC DBA Color Health and All of Us Research Program, National Institutes of Health); PubMed 24728189 (cited by Color Diagnostics, LLC DBA Color Health and All of Us Research Program, National Institutes of Health); PubMed 25371446 (cited by 3 submitters); PubMed 26287763 (cited by 5 submitters); PubMed 30875412 (cited by 4 submitters); PubMed 31853058 (cited by Color Diagnostics, LLC DBA Color Health); PubMed 33646313 (cited by 4 submitters); PubMed 33758026 (cited by Quest Diagnostics Nichols Institute San Juan Capistrano); PubMed 31209999 (cited by Quest Diagnostics Nichols Institute San Juan Capistrano); PubMed 29061375 (cited by Quest Diagnostics Nichols Institute San Juan Capistrano); PubMed 16267036 (cited by Ambry Genetics and Women's Health and Genetics/Laboratory Corporation of America, LabCorp); PubMed 26236408 (cited by Victorian Clinical Genetics Services, Murdoch Childrens Research Institute); PubMed 25556971 (cited by Women's Health and Genetics/Laboratory Corporation of America, LabCorp).